The following is an entry in ClinVar:

NM_004991.4(MECOM):c.2163A>T (p.Lys721Asn)

Gene: MECOM (MDS1 and EVI1 complex locus; minus strand). Cytogenetic location: 3q26.2.
Variant type: single nucleotide variant.
Coding change: c.2163A>T on transcript NM_004991.4 (MANE Select); coding-DNA position 2163, A replaced by T.
Protein change: p.Lys721Asn; replaces lysine 721 with asparagine.
Molecular consequence: missense variant.
Genome position (GRCh38, 1-based): chr3:169,115,709, T>A on the plus strand (A>T on the coding strand, the complement: MECOM is on the minus strand). VCF-style: chr3-169115709-T-A. GRCh37 (hg19) VCF-style: chr3-168833497-T-A.
Other names: c.1794A>T, p.Lys598Asn (NM_001105077.4); c.1599A>T, p.Lys533Asn (NM_001105078.4, NM_001164000.2, NM_001205194.2 and 4 more transcripts); c.1602A>T, p.Lys534Asn (NM_001163999.2, NM_001366467.2, NM_001366468.2 and 1 more transcripts); c.2163A>T, p.Lys721Asn (NM_001366466.2); c.1191A>T, p.Lys397Asn (NM_001366473.2); c.627A>T, p.Lys209Asn (NM_001366474.2); short protein forms K397N, K534N, K209N, K533N, K721N, K598N.
Identifiers: ClinVar variation 4088087 (VCV004088087.1).

ClinVar aggregate classification (germline): Uncertain significance (1 of 4 stars; one submission).

Submission:

GeneDx
Classification: Uncertain significance. Last evaluated: 2025-03-29. Review status: criteria provided, single submitter. Criteria: GeneDx Variant Classification Process June 2021. Collection method: clinical testing. Allele origin: germline. Affected: yes.
Comment: Not observed at significant frequency in large population cohorts (gnomAD); Has not been previously published as pathogenic or benign to our knowledge